The following is an entry in ClinVar:

ClinVar aggregate classification (germline): Uncertain significance (1 of 4 stars; one submission).

Allele frequency attached by ClinVar (database versions not stated): ExAC 0.00001; gnomAD exomes 0.00001.
gnomAD v4.1: 4 of 1,614,074 alleles (0.00025%); highest among the groups gnomAD compares: Non-Finnish European, 0.00034%; no homozygotes.

Submission:

Labcorp Genetics (formerly Invitae), Labcorp
Classification: Uncertain significance. Last evaluated: 2021-08-31. Review status: criteria provided, single submitter. Criteria: Invitae Variant Classification Sherloc (09022015). Collection method: clinical testing. Allele origin: germline.
Comment: This sequence change replaces valine with methionine at codon 1451 of the CAD protein (p.Val1451Met). The valine residue is weakly conserved and there is a small physicochemical difference between valine and methionine. This variant is present in population databases (rs755027803, ExAC 0.001%). This variant has not been reported in the literature in individuals affected with CAD-related conditions. Algorithms developed to predict the effect of missense changes on protein structure and function (SIFT, PolyPhen-2, Align-GVGD) all suggest that this variant is likely to be tolerated. In summary, the available evidence is currently insufficient to determine the role of this variant in disease. Therefore, it has been classified as a Variant of Uncertain Significance.

NM_004341.5(CAD):c.4351G>A (p.Val1451Met)

Gene: CAD (carbamoyl-phosphate synthetase 2, aspartate transcarbamylase, and dihydroorotase; plus strand). Cytogenetic location: 2p23.3.
Variant type: single nucleotide variant.
Coding change: c.4351G>A on transcript NM_004341.5 (MANE Select); coding-DNA position 4351, G replaced by A.
Protein change: p.Val1451Met; replaces valine 1451 with methionine.
Molecular consequence: missense variant.
Genome position (GRCh38, 1-based): chr2:27,236,785, G>A. VCF-style: chr2-27236785-G-A. GRCh37 (hg19) VCF-style: chr2-27459653-G-A.
Other names: c.4162G>A, p.Val1388Met (NM_001306079.2); short protein forms V1388M, V1451M.
Identifiers: ClinVar variation 1441701 (VCV001441701.5), dbSNP rs755027803, ClinGen allele CA1573502.
Genomic context (GRCh38, chr2:27,236,785, plus strand): 5'-AAGCTGACTGCTTTCCACTTGCAGGCCCTAGGCCAGATCGGGCCAGCCCCTCCTTTGAAG[G>A]TGCATGTTGACTGTATGACCTCCCAAAAGCTTGTGCGACTGCCGGGTAAGTCTTTGGGGA-3'
Protein context (NP_004332.2, residues 1441-1461): GQIGPAPPLK[Val1451Met]HVDCMTSQKL